The following is an entry in ClinVar:

ClinVar aggregate classification (germline): Uncertain significance (1 of 4 stars; one submission).

Allele frequency attached by ClinVar (database versions not stated): TOPMed below 0.00001; gnomAD 0.00001; gnomAD exomes 0.00001.
gnomAD v4.1: 18 of 1,613,646 alleles (0.0011%); highest among the groups gnomAD compares: Non-Finnish European, 0.0015%; no homozygotes.

Submission:

Labcorp Genetics (formerly Invitae), Labcorp
Classification: Uncertain significance. Last evaluated: 2022-10-24. Review status: criteria provided, single submitter. Criteria: Invitae Variant Classification Sherloc (09022015). Collection method: clinical testing. Allele origin: germline.
Comment: This sequence change replaces glutamic acid, which is acidic and polar, with alanine, which is neutral and non-polar, at codon 1718 of the NBAS protein (p.Glu1718Ala). This variant is not present in population databases (gnomAD no frequency). This variant has not been reported in the literature in individuals affected with NBAS-related conditions. Advanced modeling of protein sequence and biophysical properties (such as structural, functional, and spatial information, amino acid conservation, physicochemical variation, residue mobility, and thermodynamic stability) performed at Invitae indicates that this missense variant is not expected to disrupt NBAS protein function. In summary, the available evidence is currently insufficient to determine the role of this variant in disease. Therefore, it has been classified as a Variant of Uncertain Significance.

NM_015909.4(NBAS):c.5153A>C (p.Glu1718Ala)

Gene: NBAS (NBAS subunit of NRZ tethering complex; minus strand). Cytogenetic location: 2p24.3.
Variant type: single nucleotide variant.
Coding change: c.5153A>C on transcript NM_015909.4 (MANE Select); coding-DNA position 5153, A replaced by C.
Protein change: p.Glu1718Ala; replaces glutamic acid 1718 with alanine.
Molecular consequence: missense variant. On other transcripts: non-coding transcript variant (1).
Genome position (GRCh38, 1-based): chr2:15,277,087, T>G on the plus strand (A>C on the coding strand, the complement: NBAS is on the minus strand). VCF-style: chr2-15277087-T-G. GRCh37 (hg19) VCF-style: chr2-15417211-T-G.
Other names: short protein forms E1718A.
Identifiers: ClinVar variation 2140169 (VCV002140169.1), dbSNP rs1322002589, ClinGen allele CA345884579.